The following is an entry in ClinVar:

ClinVar aggregate classification (germline): Uncertain significance (1 of 4 stars; one submission).

Submission:

Labcorp Genetics (formerly Invitae), Labcorp
Classification: Uncertain significance. Last evaluated: 2022-09-12. Review status: criteria provided, single submitter. Criteria: Invitae Variant Classification Sherloc (09022015). Collection method: clinical testing. Allele origin: germline.
Comment: This sequence change replaces proline, which is neutral and non-polar, with arginine, which is basic and polar, at codon 345 of the FBLN5 protein (p.Pro345Arg). This variant is not present in population databases (gnomAD no frequency). This variant has not been reported in the literature in individuals affected with FBLN5-related conditions. Advanced modeling of protein sequence and biophysical properties (such as structural, functional, and spatial information, amino acid conservation, physicochemical variation, residue mobility, and thermodynamic stability) performed at Invitae indicates that this missense variant is expected to disrupt FBLN5 protein function. In summary, the available evidence is currently insufficient to determine the role of this variant in disease. Therefore, it has been classified as a Variant of Uncertain Significance.

NM_006329.4(FBLN5):c.1034C>G (p.Pro345Arg)

Gene: FBLN5 (fibulin 5; minus strand). Cytogenetic location: 14q32.12.
Variant type: single nucleotide variant.
Coding change: c.1034C>G on transcript NM_006329.4 (MANE Select); coding-DNA position 1034, C replaced by G.
Protein change: p.Pro345Arg; replaces proline 345 with arginine.
Molecular consequence: missense variant.
Genome position (GRCh38, 1-based): chr14:91,877,638, G>C on the plus strand (C>G on the coding strand, the complement: FBLN5 is on the minus strand). VCF-style: chr14-91877638-G-C. GRCh37 (hg19) VCF-style: chr14-92343982-G-C.
Other names: c.1157C>G, p.Pro386Arg (NM_001384158.1); c.1085C>G, p.Pro362Arg (NM_001384159.1); c.1034C>G, p.Pro345Arg (NM_001384160.1); c.866C>G, p.Pro289Arg (NM_001384161.1, NM_001384162.1); short protein forms P289R, P345R, P362R, P386R.
Identifiers: ClinVar variation 1719286 (VCV001719286.5), dbSNP rs2542752284, ClinGen allele CA390640974.